The following is an entry in ClinVar:

NM_015909.4(NBAS):c.5291C>T (p.Thr1764Ile)

Gene: NBAS (NBAS subunit of NRZ tethering complex; minus strand). Cytogenetic location: 2p24.3.
Variant type: single nucleotide variant.
Coding change: c.5291C>T on transcript NM_015909.4 (MANE Select); coding-DNA position 5291, C replaced by T.
Protein change: p.Thr1764Ile; replaces threonine 1764 with isoleucine.
Molecular consequence: missense variant. On other transcripts: non-coding transcript variant (1).
Genome position (GRCh38, 1-based): chr2:15,276,949, G>A on the plus strand (C>T on the coding strand, the complement: NBAS is on the minus strand). VCF-style: chr2-15276949-G-A. GRCh37 (hg19) VCF-style: chr2-15417073-G-A.
Other names: short protein forms T1764I.
Identifiers: ClinVar variation 2042335 (VCV002042335.1), dbSNP rs1669611279, ClinGen allele CA345883639.

ClinVar aggregate classification (germline): Uncertain significance (1 of 4 stars; one submission).

Submission:

Labcorp Genetics (formerly Invitae), Labcorp
Classification: Uncertain significance. Last evaluated: 2021-12-13. Review status: criteria provided, single submitter. Criteria: Invitae Variant Classification Sherloc (09022015). Collection method: clinical testing. Allele origin: germline.
Comment: This sequence change replaces threonine, which is neutral and polar, with isoleucine, which is neutral and non-polar, at codon 1764 of the NBAS protein (p.Thr1764Ile). This variant is not present in population databases (gnomAD no frequency). This variant has not been reported in the literature in individuals affected with NBAS-related conditions. Algorithms developed to predict the effect of missense changes on protein structure and function are either unavailable or do not agree on the potential impact of this missense change (SIFT: "Deleterious"; PolyPhen-2: "Benign"; Align-GVGD: "Class C65"). In summary, the available evidence is currently insufficient to determine the role of this variant in disease. Therefore, it has been classified as a Variant of Uncertain Significance.